The following is an entry in ClinVar:

NM_001134407.3(GRIN2A):c.68C>G (p.Pro23Arg)

Gene: GRIN2A (glutamate ionotropic receptor NMDA type subunit 2A; minus strand). Cytogenetic location: 16p13.2.
Variant type: single nucleotide variant.
Coding change: c.68C>G on transcript NM_001134407.3 (MANE Select); coding-DNA position 68, C replaced by G.
Protein change: p.Pro23Arg; replaces proline 23 with arginine.
Molecular consequence: missense variant.
Genome position (GRCh38, 1-based): chr16:10,180,344, G>C on the plus strand (C>G on the coding strand, the complement: GRIN2A is on the minus strand). VCF-style: chr16-10180344-G-C. GRCh37 (hg19) VCF-style: chr16-10274201-G-C.
Other names: c.68C>G, p.Pro23Arg (NM_000833.5, NM_001134408.2); short protein forms P23R.
Identifiers: ClinVar variation 1699633 (VCV001699633.2), dbSNP rs969233060, ClinGen allele CA394715792.

ClinVar aggregate classification (germline): Uncertain significance (1 of 4 stars; one submission).

Submission:

GeneDx
Classification: Uncertain significance. Last evaluated: 2022-01-29. Review status: criteria provided, single submitter. Criteria: GeneDx Variant Classification Process June 2021. Collection method: clinical testing. Allele origin: germline. Affected: yes.
Comment: Not observed at significant frequency in large population cohorts (gnomAD); In silico analysis supports that this missense variant does not alter protein structure/function; Has not been previously published as pathogenic or benign to our knowledge